The following is an entry in ClinVar:

NM_015346.4(ZFYVE26):c.6312G>T (p.Arg2104Ser)

Gene: ZFYVE26 (zinc finger FYVE-type containing 26; minus strand). Cytogenetic location: 14q24.1.
Variant type: single nucleotide variant.
Coding change: c.6312G>T on transcript NM_015346.4 (MANE Select); coding-DNA position 6312, G replaced by T.
Protein change: p.Arg2104Ser; replaces arginine 2104 with serine.
Molecular consequence: missense variant.
Genome position (GRCh38, 1-based): chr14:67,762,260, C>A on the plus strand (G>T on the coding strand, the complement: ZFYVE26 is on the minus strand). VCF-style: chr14-67762260-C-A. GRCh37 (hg19) VCF-style: chr14-68228977-C-A.
Other names: c.6312G>T (NM_015346.3); short protein forms R2104S.
Identifiers: ClinVar variation 1503906 (VCV001503906.4), dbSNP rs758451085, ClinGen allele CA7239264.

ClinVar aggregate classification (germline): Uncertain significance. Review status: criteria provided, multiple submitters, no conflicts (2 of 4 stars). 2 submissions from 2 submitters: Uncertain significance (2). Last evaluated 2024-09-10.

Conditions:
Inborn genetic diseases. Identifiers: MedGen C0950123, MeSH D030342.
Spastic paraplegia. Identifiers: MedGen C0037772, HP:0001258.

Allele frequency attached by ClinVar (database versions not stated): ExAC 0.00001.

Submissions (2):

Ambry Genetics
Classification: Uncertain significance for Inborn genetic diseases. Last evaluated: 2024-09-10. Review status: criteria provided, single submitter. Criteria: Ambry Variant Classification Scheme 2023. Collection method: clinical testing. Allele origin: germline.

Labcorp Genetics (formerly Invitae), Labcorp
Classification: Uncertain significance for Spastic paraplegia. Last evaluated: 2022-03-13. Review status: criteria provided, single submitter. Criteria: Invitae Variant Classification Sherloc (09022015). Collection method: clinical testing. Allele origin: germline.
Comment: This sequence change replaces arginine, which is basic and polar, with serine, which is neutral and polar, at codon 2104 of the ZFYVE26 protein (p.Arg2104Ser). This variant is present in population databases (rs758451085, gnomAD 0.003%). This variant has not been reported in the literature in individuals affected with ZFYVE26-related conditions. Algorithms developed to predict the effect of missense changes on protein structure and function (SIFT, PolyPhen-2, Align-GVGD) all suggest that this variant is likely to be tolerated. In summary, the available evidence is currently insufficient to determine the role of this variant in disease. Therefore, it has been classified as a Variant of Uncertain Significance.